The following is an entry in ClinVar:

NM_006904.7(PRKDC):c.12350T>A (p.Leu4117His)

Gene: PRKDC (protein kinase, DNA-activated, catalytic subunit; minus strand). Cytogenetic location: 8q11.21.
Variant type: single nucleotide variant.
Coding change: c.12350T>A on transcript NM_006904.7 (MANE Select); coding-DNA position 12350, T replaced by A.
Protein change: p.Leu4117His; replaces leucine 4117 with histidine.
Molecular consequence: missense variant.
Genome position (GRCh38, 1-based): chr8:47,774,210, A>T on the plus strand (T>A on the coding strand, the complement: PRKDC is on the minus strand). VCF-style: chr8-47774210-A-T. GRCh37 (hg19) VCF-style: chr8-48686771-A-T.
Other names: c.12257T>A, p.Leu4086His (NM_001081640.2); short protein forms L4117H, L4086H.
Identifiers: ClinVar variation 2453335 (VCV002453335.2), dbSNP rs2551859121, ClinGen allele CA371126514.

ClinVar aggregate classification (germline): Uncertain significance (1 of 4 stars; one submission).

Submission:

Ambry Genetics
Classification: Uncertain significance. Last evaluated: 2023-02-19. Review status: criteria provided, single submitter. Criteria: Ambry Variant Classification Scheme 2023. Collection method: clinical testing. Allele origin: germline.
Comment: The p.L4117H variant (also known as c.12350T>A), located in coding exon 86 of the PRKDC gene, results from a T to A substitution at nucleotide position 12350. The leucine at codon 4117 is replaced by histidine, an amino acid with similar properties. This amino acid position is conserved. Since supporting evidence is limited at this time, the clinical significance of this alteration remains unclear.